The following is an entry in ClinVar:

ClinVar aggregate classification (germline): Pathogenic. Review status: criteria provided, multiple submitters, no conflicts (2 of 4 stars). 4 submissions from 3 submitters: Pathogenic (2). 2 of the submissions do not count toward it. Last evaluated 2019-06-19.

Conditions:
Cardiomyopathy, dilated, 3C. Identifiers: MedGen CN380879, MONDO:0981022, OMIM 301163.
X-linked Emery-Dreifuss muscular dystrophy. Also called: Muscular dystrophy, tardive Emery-Dreifuss type, with contractures. Identifiers: Orphanet 261, Orphanet 98863, MedGen C0751337, MONDO:0010680.

Allele frequency attached by ClinVar (database versions not stated): gnomAD exomes below 0.00001.

Submissions (4):

Labcorp Genetics (formerly Invitae), Labcorp
Classification: Pathogenic for X-linked Emery-Dreifuss muscular dystrophy. Last evaluated: 2019-06-19. Review status: criteria provided, single submitter. Criteria: Invitae Variant Classification Sherloc (09022015). Collection method: clinical testing. Allele origin: germline.
Comment: This sequence change affects the initiator methionine of the EMD mRNA. The next in-frame methionine is located at codon 73. This variant is not present in population databases (ExAC no frequency). This variant has been observed in a several individuals affected with Emery-Dreifuss muscular dystrophy (PMID: 7894480, 19997654, 21697856). ClinVar contains an entry for this variant (Variation ID: 11172). For these reasons, this variant has been classified as Pathogenic.

GeneDx
Classification: Pathogenic. Last evaluated: 2016-04-22. Review status: criteria provided, single submitter. Criteria: GeneDx Variant Classification (06012015). Collection method: clinical testing. Allele origin: germline. Affected: yes.
Comment: The c.1 A>G variant in the EMD gene has been reported in association with X-linked Emery-Dreifuss muscular dystrophy (EDMD) (Bione et al., 1994; Brown et al., 2011). This variant alters the initiator Methionine codon, and the resultant protein would be described as p.Met1?" using a question mark to signify that it is not known if the loss of Met1 means that all protein translation is completely prevented or if an abnormal protein is produced using an alternate Methionine. Other variants altering the initiator Methionine codon (c.2T>C, c.2T>G, c.3G>A) have been reported in HGMD in association with EDMD (Stenson P et al., 2014) and protein studies have shown that c.2T>C and c.2T>G result in a lack of emerin protein expression (Yates et al., 1999; Manilal et al. 1998). Furthermore, the c.1 A>G variant was not observed in approximately 6100 individuals of European and African American ancestry in the NHLBI Exome Sequencing Project, indicating it is not a common benign variant in these populations. In summary, we interpret c.1 A>G in the EMD gene as pathogenic."

OMIM
Classification: Pathogenic for EMERY-DREIFUSS MUSCULAR DYSTROPHY, X-LINKED. Last evaluated: 1994-12-01. Review status: no assertion criteria provided. Collection method: literature only. Allele origin: germline. Not counted in ClinVar's aggregate classification.

OMIM
Classification: Pathogenic for CARDIOMYOPATHY, DILATED, 3C. Last evaluated: 1994-12-01. Review status: no assertion criteria provided. Collection method: literature only. Allele origin: germline. Not counted in ClinVar's aggregate classification.

Literature cited by the submitters: PubMed 7894480 (cited by Labcorp Genetics (formerly Invitae), Labcorp and OMIM); PubMed 19997654 (cited by Labcorp Genetics (formerly Invitae), Labcorp); PubMed 21697856 (cited by Labcorp Genetics (formerly Invitae), Labcorp); PubMed 32755394 (cited by OMIM).

NM_000117.3(EMD):c.1A>G (p.Met1Val)

Gene: EMD (emerin; plus strand). Cytogenetic location: Xq28.
Variant type: single nucleotide variant.
Coding change: c.1A>G on transcript NM_000117.3 (MANE Select); coding-DNA position 1, A replaced by G.
Protein change: p.Met1Val; changes the start codon (methionine 1).
Molecular consequence: missense variant, initiator codon variant.
Genome position (GRCh38, 1-based): chrX:154,379,485, A>G. VCF-style: chrX-154379485-A-G. GRCh37 (hg19) VCF-style: chrX-153607845-A-G.
Other names: short protein forms M1V.
Identifiers: ClinVar variation 11172 (VCV000011172.15), dbSNP rs267606782, ClinGen allele CA121381.
Genomic context (GRCh38, chrX:154,379,485, plus strand): 5'-CTCGGCCGGTTTTGGTAGGCCCGGGCCGCCGCCAGGCCTCCGCCTGAGCCCGCACCCGCC[A>G]TGGACAACTACGCAGATCTTTCGGATACCGAGCTGACCACCTTGCTGCGCCGGTACAACA-3'
Protein context (NP_000108.1, residues 1-11): [Met1Val]DNYADLSDTE